The following is an entry in ClinVar:

NM_001387430.1(SH2B1):c.1691A>G (p.Tyr564Cys)

Gene: SH2B1 (SH2B adaptor protein 1; plus strand). Cytogenetic location: 16p11.2.
Variant type: single nucleotide variant.
Coding change: c.1691A>G on transcript NM_001387430.1 (MANE Select); coding-DNA position 1691, A replaced by G.
Protein change: p.Tyr564Cys; replaces tyrosine 564 with cysteine.
Molecular consequence: missense variant.
Genome position (GRCh38, 1-based): chr16:28,872,367, A>G. VCF-style: chr16-28872367-A-G. GRCh37 (hg19) VCF-style: chr16-28883688-A-G.
Other names: c.1691A>G, p.Tyr564Cys (NM_001145795.2, NM_001145796.2, NM_001145797.2 and 4 more transcripts); c.683A>G, p.Tyr228Cys (NM_001308294.2); short protein forms Y228C, Y564C.
Identifiers: ClinVar variation 4995096 (VCV004995096.1).

ClinVar aggregate classification (germline): Uncertain significance (1 of 4 stars; one submission).

Conditions:
SH2B1-related disorder. Also called: SH2B1-related condition.

Submission:

PreventionGenetics, part of Exact Sciences
Classification: Uncertain significance for SH2B1-related condition. Last evaluated: 2026-09-13. Review status: criteria provided, single submitter. Criteria: ACMG Guidelines, 2015. Collection method: clinical testing. Allele origin: germline.
Comment: The SH2B1 c.1691A>G variant is predicted to result in the amino acid substitution p.Tyr564Cys. To our knowledge, this variant has not been reported in the literature or in a large population database (gnomAD), indicating this variant is rare. At this time, the clinical significance of this variant is uncertain due to the absence of conclusive functional and genetic evidence.